The following is an entry in ClinVar:

NM_001130438.3(SPTAN1):c.4596-19C>G

Gene: SPTAN1 (spectrin alpha, non-erythrocytic 1; plus strand). Cytogenetic location: 9q34.11.
Variant type: single nucleotide variant.
Coding change: c.4596-19C>G on transcript NM_001130438.3 (MANE Select); 19 bases into the intron before coding-DNA position 4596, C replaced by G.
Molecular consequence: intron variant.
Genome position (GRCh38, 1-based): chr9:128,609,103, C>G. VCF-style: chr9-128609103-C-G. GRCh37 (hg19) VCF-style: chr9-131371382-C-G.
Other names: c.4596-19C>G (NM_001363759.2, NM_003127.4); c.4536-19C>G (NM_001363765.2, NM_001195532.2).
Identifiers: ClinVar variation 512530 (VCV000512530.9), dbSNP rs1317299803, ClinGen allele CA590941637.
Genomic context (GRCh38, chr9:128,609,103, plus strand): 5'-CCAGGCCTGTTCTGTCTCCCCACTTCCTTCTCCACGGTAAGATATGCTCATGTTGGATCT[C>G]ATGGTTTCACTCTTTCAGGTGGCGACGTCTGAAAGCCCAGATGATTGAGAAAAGGTCAAA-3'

ClinVar aggregate classification (germline): Likely benign. Review status: criteria provided, multiple submitters, no conflicts (2 of 4 stars). 2 submissions from 2 submitters: Likely benign (2). Last evaluated 2025-10-13.

Conditions:
Early-infantile DEE. Also called: Early infantile epileptic encephalopathy; Ohtahara syndrome; Early infantile epileptic encephalopathy with suppression bursts. Identifiers: Orphanet 1934, MedGen C0393706, MONDO:0800491.

Allele frequency attached by ClinVar (database versions not stated): gnomAD 0.00001; gnomAD exomes 0.00001; TOPMed 0.00001.
gnomAD v4.1: 34 of 1,614,096 alleles (0.0021%); highest among the groups gnomAD compares: Non-Finnish European, 0.0027%; no homozygotes.

Submissions (2):

Labcorp Genetics (formerly Invitae), Labcorp
Classification: Likely benign for Early-infantile DEE. Last evaluated: 2025-10-13. Review status: criteria provided, single submitter. Criteria: Invitae Variant Classification Sherloc (09022015). Collection method: clinical testing. Allele origin: germline.

GeneDx
Classification: Likely benign. Last evaluated: 2017-10-03. Review status: criteria provided, single submitter. Criteria: GeneDx Variant Classification (06012015). Collection method: clinical testing. Allele origin: germline. Affected: yes.
Comment: This variant is considered likely benign or benign based on one or more of the following criteria: it is a conservative change, it occurs at a poorly conserved position in the protein, it is predicted to be benign by multiple in silico algorithms, and/or has population frequency not consistent with disease.